The following is an entry in ClinVar:

ClinVar aggregate classification (germline): Uncertain significance (1 of 4 stars; one submission).

Allele frequency attached by ClinVar (database versions not stated): gnomAD exomes 0.00001; ExAC 0.00002; ESP Exome Variant Server 0.00008.
gnomAD v4.1: 4 of 1,613,710 alleles (0.00025%); highest among the groups gnomAD compares: Non-Finnish European, 0.00025%; no homozygotes.

Submission:

Labcorp Genetics (formerly Invitae), Labcorp
Classification: Uncertain significance. Last evaluated: 2024-12-02. Review status: criteria provided, single submitter. Criteria: Invitae Variant Classification Sherloc (09022015). Collection method: clinical testing. Allele origin: germline.
Comment: This sequence change falls in intron 12 of the TRAPPC9 gene. It does not directly change the encoded amino acid sequence of the TRAPPC9 protein. It affects a nucleotide within the consensus splice site. This variant is present in population databases (rs375346522, gnomAD 0.002%). This variant has not been reported in the literature in individuals affected with TRAPPC9-related conditions. ClinVar contains an entry for this variant (Variation ID: 1360031). Variants that disrupt the consensus splice site are a relatively common cause of aberrant splicing (PMID: 17576681, 9536098). Algorithms developed to predict the effect of sequence changes on RNA splicing suggest that this variant is not likely to affect RNA splicing. In summary, the available evidence is currently insufficient to determine the role of this variant in disease. Therefore, it has been classified as a Variant of Uncertain Significance.

Literature cited by the submitters: PubMed 17576681; PubMed 9536098.

NM_001160372.4(TRAPPC9):c.1854+4T>C

Gene: TRAPPC9 (trafficking protein particle complex subunit 9; minus strand). Cytogenetic location: 8q24.3.
Variant type: single nucleotide variant.
Coding change: c.1854+4T>C on transcript NM_001160372.4 (MANE Select); 4 bases into the intron after coding-DNA position 1854, T replaced by C.
Molecular consequence: intron variant.
Genome position (GRCh38, 1-based): chr8:140,290,989, A>G on the plus strand (T>C on the coding strand, the complement: TRAPPC9 is on the minus strand). VCF-style: chr8-140290989-A-G. GRCh37 (hg19) VCF-style: chr8-141301088-A-G.
Other names: c.1854+4T>C (NM_031466.8, NM_001374683.1); c.1827+4T>C (NM_001321646.2); c.1710+4T>C (NM_001374684.1); c.1875+4T>C (NM_001374682.1).
Identifiers: ClinVar variation 1360031 (VCV001360031.6), dbSNP rs375346522, ClinGen allele CA4893315.